The following is an entry in ClinVar:

ClinVar aggregate classification (germline): Uncertain significance (1 of 4 stars; one submission).

Submission:

CeGaT Center for Human Genetics Tuebingen
Classification: Uncertain significance. Last evaluated: 2023-03-01. Review status: criteria provided, single submitter. Criteria: CeGaT Center For Human Genetics Tuebingen Variant Classification Criteria Version 2. Collection method: clinical testing. Allele origin: germline. Affected: yes. Observed: 1 variant allele.
Comment: DCHS1: PM2, BP4

NM_003737.4(DCHS1):c.1670C>G (p.Pro557Arg)

Gene: DCHS1 (dachsous cadherin-related 1; minus strand). Cytogenetic location: 11p15.4.
Variant type: single nucleotide variant.
Coding change: c.1670C>G on transcript NM_003737.4 (MANE Select); coding-DNA position 1670, C replaced by G.
Protein change: p.Pro557Arg; replaces proline 557 with arginine.
Molecular consequence: missense variant.
Genome position (GRCh38, 1-based): chr11:6,639,944, G>C on the plus strand (C>G on the coding strand, the complement: DCHS1 is on the minus strand). VCF-style: chr11-6639944-G-C. GRCh37 (hg19) VCF-style: chr11-6661175-G-C.
Other names: short protein forms P557R.
Identifiers: ClinVar variation 2641569 (VCV002641569.24), dbSNP rs372255060, ClinGen allele CA379430414.